The following is an entry in ClinVar:

NM_001184.4(ATR):c.2844A>C (p.Ala948=)

Gene: ATR (ATR checkpoint kinase; minus strand). Cytogenetic location: 3q23.
Variant type: single nucleotide variant.
Coding change: c.2844A>C on transcript NM_001184.4 (MANE Select); coding-DNA position 2844, A replaced by C.
Protein change: p.Ala948=; no amino-acid change (alanine 948 retained).
Molecular consequence: synonymous variant.
Genome position (GRCh38, 1-based): chr3:142,550,264, T>G on the plus strand (A>C on the coding strand, the complement: ATR is on the minus strand). VCF-style: chr3-142550264-T-G. GRCh37 (hg19) VCF-style: chr3-142269106-T-G.
Other names: c.2652A>C, p.Ala884= (NM_001354579.2).
Identifiers: ClinVar variation 157973 (VCV000157973.58), dbSNP rs147286949, ClinGen allele CA345972.

ClinVar aggregate classification (germline): Benign/Likely benign. Review status: criteria provided, multiple submitters, no conflicts (2 of 4 stars). 10 submissions from 9 submitters: Benign (1); Likely benign (9). Last evaluated 2026-08-01.

Conditions:
Inborn genetic diseases. Identifiers: MedGen C0950123, MeSH D030342.
Familial cutaneous telangiectasia and oropharyngeal predisposition cancer syndrome. Identifiers: Orphanet 313846, MedGen C3281203, MONDO:0013806, OMIM 614564.
Seckel syndrome 1 (SCKL1). Also called: MICROCEPHALIC PRIMORDIAL DWARFISM I. Identifiers: Orphanet 808, MedGen C4551474, MONDO:0008869, OMIM 210600.

Allele frequency attached by ClinVar (database versions not stated): 1000 Genomes Project 30x 0.00078; 1000 Genomes Project 0.00080; TOPMed 0.00161; gnomAD 0.00177 and 0.00178; gnomAD exomes 0.00180 and 0.00229; ESP Exome Variant Server 0.00200; ExAC 0.00222.
gnomAD v4.1: 3,603 of 1,614,212 alleles (0.22%); highest among the groups gnomAD compares: Non-Finnish European, 0.28%; 6 homozygotes.

Submissions (10):

CeGaT Center for Human Genetics Tuebingen
Classification: Likely benign. Last evaluated: 2026-08-01. Review status: criteria provided, single submitter. Criteria: CeGaT Center For Human Genetics Tuebingen Variant Classification Criteria Version 2. Collection method: clinical testing. Allele origin: germline. Affected: yes. Observed: 49 variant alleles.
Comment: ATR: BP4, BP7

Labcorp Genetics (formerly Invitae), Labcorp
Classification: Benign. Last evaluated: 2026-02-01. Review status: criteria provided, single submitter. Criteria: Invitae Variant Classification Sherloc (09022015). Collection method: clinical testing. Allele origin: germline.

Blueprint Genetics
Classification: Likely benign. Last evaluated: 2024-11-25. Review status: criteria provided, single submitter. Criteria: ACMG Guidelines, 2015. Collection method: clinical testing. Allele origin: germline.

KCCC/NGS Laboratory, Kuwait Cancer Control Center
Classification: Likely benign for Familial cutaneous telangiectasia and oropharyngeal predisposition cancer syndrome. Last evaluated: 2023-07-07. Review status: criteria provided, single submitter. Criteria: ACMG Guidelines, 2015. Collection method: clinical testing. Allele origin: germline. Affected: yes.

Genome-Nilou Lab
Classification: Likely benign for Seckel syndrome 1. Last evaluated: 2023-02-08. Review status: criteria provided, single submitter. Criteria: ACMG Guidelines, 2015. Collection method: clinical testing. Allele origin: germline.

Genome-Nilou Lab
Classification: Likely benign for Familial cutaneous telangiectasia and oropharyngeal predisposition cancer syndrome. Last evaluated: 2023-02-08. Review status: criteria provided, single submitter. Criteria: ACMG Guidelines, 2015. Collection method: clinical testing. Allele origin: germline.

Ambry Genetics
Classification: Likely benign for Inborn genetic diseases. Last evaluated: 2022-02-12. Review status: criteria provided, single submitter. Criteria: Ambry Variant Classification Scheme 2023. Collection method: clinical testing. Allele origin: germline.

GeneDx
Classification: Likely benign. Last evaluated: 2021-01-04. Review status: criteria provided, single submitter. Criteria: GeneDx Variant Classification Process June 2021. Collection method: clinical testing. Allele origin: germline. Affected: yes.

Illumina Laboratory Services, Illumina
Classification: Likely benign for Seckel syndrome 1. Last evaluated: 2018-01-13. Review status: criteria provided, single submitter. Criteria: ICSL Variant Classification Criteria 13 December 2019. Collection method: clinical testing. Allele origin: germline.
Comment: This variant was observed in the ICSL laboratory as part of a predisposition screen in an ostensibly healthy population. It had not been previously curated by ICSL or reported in the Human Gene Mutation Database (HGMD: prior to June 1st, 2018), and was therefore a candidate for classification through an automated scoring system. Utilizing variant allele frequency, disease prevalence and penetrance estimates, and inheritance mode, an automated score was calculated to assess if this variant is too frequent to cause the disease. Based on the score and internal cut-off values, a variant classified as likely benign is not then subjected to further curation. The score for this variant resulted in a classification of likely benign for this disease.

Genetic Services Laboratory, University of Chicago
Classification: Likely benign. Last evaluated: 2016-11-01. Review status: criteria provided, single submitter. Criteria: ACMG Guidelines, 2015. Collection method: clinical testing. Allele origin: germline. Affected: no.